The following is an entry in ClinVar:

ClinVar aggregate classification (germline): Uncertain significance (1 of 4 stars; one submission).

gnomAD v4.1: 1 of 1,613,956 alleles (0.000062%); highest among the groups gnomAD compares: East Asian, 0.0022%; no homozygotes.

Submission:

Labcorp Genetics (formerly Invitae), Labcorp
Classification: Uncertain significance. Last evaluated: 2025-12-19. Review status: criteria provided, single submitter. Criteria: Invitae Variant Classification Sherloc (09022015). Collection method: clinical testing. Allele origin: germline.
Comment: This sequence change replaces glycine, which is neutral and non-polar, with serine, which is neutral and polar, at codon 197 of the LOX protein (p.Gly197Ser). This variant is not present in population databases (gnomAD no frequency). This variant has not been reported in the literature in individuals affected with LOX-related conditions. Invitae Evidence Modeling of protein sequence and biophysical properties (such as structural, functional, and spatial information, amino acid conservation, physicochemical variation, residue mobility, and thermodynamic stability) indicates that this missense variant is not expected to disrupt LOX protein function with a negative predictive value of 95%. In summary, the available evidence is currently insufficient to determine the role of this variant in disease. Therefore, it has been classified as a Variant of Uncertain Significance.

NM_002317.7(LOX):c.589G>A (p.Gly197Ser)

Genes: LOX (lysyl oxidase; minus strand), SRFBP1 (serum response factor binding protein 1; plus strand). Cytogenetic location: 5q23.1.
Variant type: single nucleotide variant.
Coding change: c.589G>A on transcript NM_002317.7 (MANE Select); coding-DNA position 589, G replaced by A.
Protein change: p.Gly197Ser; replaces glycine 197 with serine.
Molecular consequence: missense variant.
Genome position (GRCh38, 1-based): chr5:122,077,397, C>T on the plus strand (G>A on the coding strand, the complement: LOX is on the minus strand). VCF-style: chr5-122077397-C-T. GRCh37 (hg19) VCF-style: chr5-121413092-C-T.
Other names: short protein forms G197S.
Identifiers: ClinVar variation 4809944 (VCV004809944.1).